The following is an entry in ClinVar:

ClinVar aggregate classification (germline): Pathogenic (1 of 4 stars; one submission).

Conditions:
Aniridia 1 (AN1). Identifiers: Orphanet 250923, MedGen C0344542, MONDO:0024507, OMIM 106210.
Irido-corneo-trabecular dysgenesis (ASGD5). Also called: ANTERIOR SEGMENT DYSGENESIS 5. Identifiers: Orphanet 708, MedGen C0344559, MONDO:0011414, OMIM 604229, HP:0000659.

Submission:

Labcorp Genetics (formerly Invitae), Labcorp
Classification: Pathogenic for Aniridia 1; Irido-corneo-trabecular dysgenesis. Last evaluated: 2023-08-17. Review status: criteria provided, single submitter. Criteria: Invitae Variant Classification Sherloc (09022015). Collection method: clinical testing. Allele origin: germline.
Comment: This sequence change creates a premature translational stop signal (p.Ser4Tyrfs*2) in the PAX6 gene. It is expected to result in an absent or disrupted protein product. Loss-of-function variants in PAX6 are known to be pathogenic (PMID: 12634864). This variant is not present in population databases (gnomAD no frequency). This variant has not been reported in the literature in individuals affected with PAX6-related conditions. For these reasons, this variant has been classified as Pathogenic.

Literature cited by the submitters: PubMed 12634864.

NM_001368894.2(PAX6):c.9_10insTACT (p.Ser4delinsTyrTer)

Gene: PAX6 (paired box 6; minus strand). Cytogenetic location: 11p13.
Variant type: Insertion.
Coding change: c.9_10insTACT on transcript NM_001368894.2 (MANE Select); coding-DNA positions 9 to 10, TACT inserted.
Protein change: p.Ser4delinsTyrTer.
Molecular consequence: nonsense. On other transcripts: 5 prime UTR variant (2), frameshift variant (1), non-coding transcript variant (2), intron variant (2).
Genome position: GRCh38 VCF-style: chr11-31806402-T-TAGTA. GRCh37 (hg19) VCF-style: chr11-31827950-T-TAGTA.
Other names: c.9_10insTACT, p.Ser4delinsTyrTer (NM_000280.6, NM_001127612.3, NM_001258462.3 and 30 more transcripts); c.-269_-268insTACT (NM_001368904.2); c.-773_-772insTACT (NM_001368905.2); c.109_110insTACT, p.Gln37fs (NM_001368910.2); c.-268+4425_-268+4426insTACT (NM_001368909.2); c.14-3569_14-3568insTACT (NM_001368911.2); short protein forms Q37fs.
Identifiers: ClinVar variation 2951089 (VCV002951089.3), dbSNP rs2496626128, ClinGen allele CA2740093669.